The following is an entry in ClinVar:

NM_006015.6(ARID1A):c.4429C>T (p.Pro1477Ser)

Gene: ARID1A (AT-rich interaction domain 1A; plus strand). Cytogenetic location: 1p36.11.
Variant type: single nucleotide variant.
Coding change: c.4429C>T on transcript NM_006015.6 (MANE Select); coding-DNA position 4429, C replaced by T.
Protein change: p.Pro1477Ser; replaces proline 1477 with serine.
Molecular consequence: missense variant. On other transcripts: intron variant (1).
Genome position (GRCh38, 1-based): chr1:26,774,656, C>T. VCF-style: chr1-26774656-C-T. GRCh37 (hg19) VCF-style: chr1-27101147-C-T.
Other names: c.4102-324C>T (NM_139135.4); short protein forms P1477S.
Identifiers: ClinVar variation 2430829 (VCV002430829.1), dbSNP rs2081116562, ClinGen allele CA339175429.

ClinVar aggregate classification (germline): Uncertain significance (1 of 4 stars; one submission).

Submission:

GeneDx
Classification: Uncertain significance. Last evaluated: 2022-08-22. Review status: criteria provided, single submitter. Criteria: GeneDx Variant Classification Process June 2021. Collection method: clinical testing. Allele origin: germline. Affected: yes.
Comment: Not observed at significant frequency in large population cohorts (gnomAD); In silico analysis supports that this missense variant has a deleterious effect on protein structure/function; Has not been previously published as pathogenic or benign to our knowledge